The following is an entry in ClinVar:

ClinVar aggregate classification (germline): Uncertain significance (1 of 4 stars; one submission).

Submission:

Women's Health and Genetics/Laboratory Corporation of America, LabCorp
Classification: Uncertain significance. Last evaluated: 2025-07-22. Review status: criteria provided, single submitter. Criteria: LabCorp Variant Classification Summary - May 2015. Collection method: clinical testing. Allele origin: germline.
Comment: Variant summary: LAMA3 c.394A>T (p.Ser132Cys) results in a non-conservative amino acid change in the encoded protein sequence. Algorithms developed to predict the effect of missense changes on protein structure and function all suggest that this variant is likely to be disruptive. Several computational tools predict a significant impact on normal splicing: Two predict the variant abolishes a 5' splicing donor site. Two predict the variant weakens a 5' donor site. However, these predictions have yet to be confirmed by functional studies. The variant was absent in 250180 control chromosomes. The available data on variant occurrences in the general population are insufficient to allow any conclusion about variant significance. To our knowledge, no occurrence of c.394A>T in individuals affected with Junctional Epidermolysis Bullosa and no experimental evidence demonstrating its impact on protein function have been reported. No submitters have cited clinical-significance assessments for this variant to ClinVar. Based on the evidence outlined above, the variant was classified as uncertain significance.

NM_198129.4(LAMA3):c.5221A>T (p.Ser1741Cys)

Gene: LAMA3 (laminin subunit alpha 3; plus strand). Cytogenetic location: 18q11.2.
Variant type: single nucleotide variant.
Coding change: c.5221A>T on transcript NM_198129.4 (MANE Select); coding-DNA position 5221, A replaced by T.
Protein change: p.Ser1741Cys; replaces serine 1741 with cysteine.
Molecular consequence: missense variant.
Genome position (GRCh38, 1-based): chr18:23,882,044, A>T. VCF-style: chr18-23882044-A-T. GRCh37 (hg19) VCF-style: chr18-21462008-A-T.
Other names: c.394A>T, p.Ser132Cys (NM_000227.6, NM_001127718.4); c.5221A>T, p.Ser1741Cys (NM_001127717.4); short protein forms S132C, S1741C.
Identifiers: ClinVar variation 4525699 (VCV004525699.1).